The following is an entry in ClinVar:

ClinVar aggregate classification (germline): Conflicting classifications of pathogenicity. Review status: criteria provided, conflicting classifications (1 of 4 stars). 7 submissions from 7 submitters: Uncertain significance (3); Likely benign (2). 2 of the submissions do not count toward it. Last evaluated 2026-01-12.

Conditions:
Bilateral frontoparietal polymicrogyria. Also called: CORTICAL DYSPLASIA, COMPLEX, WITH OTHER BRAIN MALFORMATIONS 14A (BILATERAL FRONTOPARIETAL); CEREBELLAR ATAXIA WITH NEURONAL MIGRATION DEFECT. Identifiers: Orphanet 101070, MedGen C1847352, MONDO:0011738, OMIM 606854.
ADGRG1-related disorder. Also called: ADGRG1-related condition.

Allele frequency attached by ClinVar (database versions not stated): gnomAD exomes 0.00015; gnomAD 0.00017 and 0.00018; ESP Exome Variant Server 0.00023; TOPMed 0.00036.
gnomAD v4.1: 255 of 1,614,218 alleles (0.016%); highest among the groups gnomAD compares: Admixed American, 0.29%; no homozygotes.

Submissions (7):

Labcorp Genetics (formerly Invitae), Labcorp
Classification: Likely benign. Last evaluated: 2026-01-12. Review status: criteria provided, single submitter. Criteria: Invitae Variant Classification Sherloc (09022015). Collection method: clinical testing. Allele origin: germline.

Athena Diagnostics
Classification: Likely benign. Last evaluated: 2024-10-10. Review status: criteria provided, single submitter. Criteria: Athena Diagnostics Criteria. Collection method: clinical testing. Allele origin: unknown.

GeneDx
Classification: Uncertain significance. Last evaluated: 2024-04-04. Review status: criteria provided, single submitter. Criteria: GeneDx Variant Classification Process June 2021. Collection method: clinical testing. Allele origin: germline. Affected: yes.
Comment: In silico analysis supports that this missense variant has a deleterious effect on protein structure/function; Has not been previously published as pathogenic or benign to our knowledge

Mayo Clinic Laboratories, Mayo Clinic
Classification: Uncertain significance. Last evaluated: 2019-05-20. Review status: criteria provided, single submitter. Criteria: ACMG Guidelines, 2015. Collection method: clinical testing. Allele origin: germline. Observed: 1 variant allele.

Genetic Services Laboratory, University of Chicago
Classification: Uncertain significance for Polymicrogyria, bilateral frontoparietal. Last evaluated: 2013-08-22. Review status: criteria provided, single submitter. Criteria: ACMG Guidelines, 2007. Collection method: clinical testing. Allele origin: germline. Inheritance: Autosomal recessive inheritance.

PreventionGenetics, part of Exact Sciences
Classification: Likely benign for ADGRG1-related condition. Last evaluated: 2022-07-28. Review status: no assertion criteria provided. Collection method: clinical testing. Allele origin: germline. Not counted in ClinVar's aggregate classification.
Comment: This variant is classified as likely benign based on ACMG/AMP sequence variant interpretation guidelines (Richards et al. 2015 PMID: 25741868, with internal and published modifications).

Natera, Inc.
Classification: Uncertain significance for Bilateral frontoparietal polymicrogyria. Last evaluated: 2020-01-17. Review status: no assertion criteria provided. Collection method: clinical testing. Allele origin: germline. Not counted in ClinVar's aggregate classification.

NM_201525.4(ADGRG1):c.401C>T (p.Pro134Leu)

Gene: ADGRG1 (adhesion G protein-coupled receptor G1; plus strand). Cytogenetic location: 16q21.
Variant type: single nucleotide variant.
Coding change: c.401C>T on transcript NM_201525.4 (MANE Select); coding-DNA position 401, C replaced by T.
Protein change: p.Pro134Leu; replaces proline 134 with leucine.
Molecular consequence: missense variant. On other transcripts: 5 prime UTR variant (5), intron variant (1).
Genome position (GRCh38, 1-based): chr16:57,651,536, C>T. VCF-style: chr16-57651536-C-T. GRCh37 (hg19) VCF-style: chr16-57685448-C-T.
Other names: c.401C>T, p.Pro134Leu (NM_001145770.3, NM_001145771.3, NM_001145772.3 and 16 more transcripts); c.416C>T, p.Pro139Leu (NM_001145773.3, NM_001370433.1); c.-125C>T (NM_001290143.2, NM_001290144.2, NM_001370451.1 and 2 more transcripts); c.245C>T, p.Pro82Leu (NM_001370442.1); c.110+291C>T (NM_001290142.2); short protein forms P134L, P139L, P82L.
Identifiers: ClinVar variation 158631 (VCV000158631.32), dbSNP rs138344683, ClinGen allele CA271544.